The following is an entry in ClinVar:

ClinVar aggregate classification (germline): Likely benign (1 of 4 stars; one submission).

gnomAD v4.1: 1,383 of 1,614,008 alleles (0.086%); highest among the groups gnomAD compares: Non-Finnish European, 0.084%; 6 homozygotes.

Submission:

CeGaT Center for Human Genetics Tuebingen
Classification: Likely benign. Last evaluated: 2025-08-01. Review status: criteria provided, single submitter. Criteria: CeGaT Center For Human Genetics Tuebingen Variant Classification Criteria Version 2. Collection method: clinical testing. Allele origin: germline. Affected: yes. Observed: 1 variant allele.
Comment: FLII: BP4

NM_002018.4(FLII):c.3675+7T>G

Gene: FLII (FLII actin remodeling protein; minus strand). Cytogenetic location: 17p11.2.
Variant type: single nucleotide variant.
Coding change: c.3675+7T>G on transcript NM_002018.4 (MANE Select); 7 bases into the intron after coding-DNA position 3675, T replaced by G.
Molecular consequence: intron variant.
Genome position (GRCh38, 1-based): chr17:18,245,347, A>C on the plus strand (T>G on the coding strand, the complement: FLII is on the minus strand). VCF-style: chr17-18245347-A-C. GRCh37 (hg19) VCF-style: chr17-18148661-A-C.
Other names: c.3642+7T>G (NM_001256264.2); c.3510+7T>G (NM_001256265.2).
Identifiers: ClinVar variation 4083694 (VCV004083694.8).